The following is an entry in ClinVar:

NM_058216.3(RAD51C):c.492T>A (p.Phe164Leu)

Gene: RAD51C (RAD51 paralog C; plus strand). Cytogenetic location: 17q22.
Variant type: single nucleotide variant.
Coding change: c.492T>A on transcript NM_058216.3 (MANE Select); coding-DNA position 492, T replaced by A.
Protein change: p.Phe164Leu; replaces phenylalanine 164 with leucine.
Molecular consequence: missense variant.
Genome position (GRCh38, 1-based): chr17:58,696,780, T>A. VCF-style: chr17-58696780-T-A. GRCh37 (hg19) VCF-style: chr17-56774141-T-A.
Other names: short protein forms F164L.
Identifiers: ClinVar variation 1304613 (VCV001304613.6), dbSNP rs573992101, ClinGen allele CA400344838.
Genomic context (GRCh38, chr17:58,696,780, plus strand): 5'-ACCAGAATGTTTTGGAGGAGTGGCAGGTGAAGCAGTTTTTATTGATACAGAGGGAAGTTT[T>A]ATGGTTGATAGAGTGGTAGACCTTGCTACTGCCTGCATTCAGCACCTTCAGCTTATAGCA-3'
Protein context (NP_478123.1, residues 154-174): EAVFIDTEGS[Phe164Leu]MVDRVVDLAT

ClinVar aggregate classification (germline): Conflicting classifications of pathogenicity. Review status: criteria provided, conflicting classifications (1 of 4 stars). 4 submissions from 4 submitters: Uncertain significance (3); Likely benign (1). Last evaluated 2025-12-15.

Conditions:
Hereditary cancer-predisposing syndrome. Also called: Hereditary neoplastic syndrome; Tumor predisposition; Neoplastic Syndromes, Hereditary; Hereditary Cancer Syndrome. Identifiers: Orphanet 140162, MedGen C0027672, MeSH D009386, MONDO:0015356.
Fanconi anemia complementation group O. Also called: RAD51C-Related Fanconi Anemia. Identifiers: Orphanet 84, MedGen C3150653, MONDO:0013248, OMIM 613390.
Breast-ovarian cancer, familial, susceptibility to, 3. Also called: RAD51C-Related Breast/Ovarian Cancer. Identifiers: Orphanet 145, MedGen C3150659, MONDO:0013253, OMIM 613399.

Submissions (4):

Ambry Genetics
Classification: Uncertain significance for Hereditary cancer-predisposing syndrome. Last evaluated: 2025-12-15. Review status: criteria provided, single submitter. Criteria: Ambry Variant Classification Scheme 2023. Collection method: clinical testing. Allele origin: germline.
Comment: The p.F164L variant (also known as c.492T>A), located in coding exon 3 of the RAD51C gene, results from a T to A substitution at nucleotide position 492. The phenylalanine at codon 164 is replaced by leucine, an amino acid with highly similar properties. This amino acid position is highly conserved in available vertebrate species. In addition, the in silico prediction for this alteration is inconclusive. Based on the available evidence, the clinical significance of this variant remains unclear.

Myriad Genetics, Inc.
Classification: Likely benign for Breast-ovarian cancer, familial, susceptibility to, 3. Last evaluated: 2025-02-18. Review status: criteria provided, single submitter. Criteria: Myriad Autosomal Dominant, Autosomal Recessive and X-Linked Classification Criteria (2023). Collection method: clinical testing. Allele origin: unknown.
Comment: This variant is considered likely benign. This variant is strongly associated with less severe personal and family histories of cancer, typical for individuals without pathogenic variants in this gene [PMID: 25085752].

Labcorp Genetics (formerly Invitae), Labcorp
Classification: Uncertain significance for Fanconi anemia complementation group O. Last evaluated: 2024-04-18. Review status: criteria provided, single submitter. Criteria: Invitae Variant Classification Sherloc (09022015). Collection method: clinical testing. Allele origin: germline.
Comment: This sequence change replaces phenylalanine, which is neutral and non-polar, with leucine, which is neutral and non-polar, at codon 164 of the RAD51C protein (p.Phe164Leu). This variant is not present in population databases (gnomAD no frequency). This variant has not been reported in the literature in individuals affected with RAD51C-related conditions. ClinVar contains an entry for this variant (Variation ID: 1304613). Advanced modeling of protein sequence and biophysical properties (such as structural, functional, and spatial information, amino acid conservation, physicochemical variation, residue mobility, and thermodynamic stability) performed at Invitae indicates that this missense variant is not expected to disrupt RAD51C protein function with a negative predictive value of 80%. In summary, the available evidence is currently insufficient to determine the role of this variant in disease. Therefore, it has been classified as a Variant of Uncertain Significance.

GeneDx
Classification: Uncertain significance. Last evaluated: 2019-04-12. Review status: criteria provided, single submitter. Criteria: GeneDx Variant Classification Process June 2021. Collection method: clinical testing. Allele origin: germline. Affected: yes.
Comment: Not observed in large population cohorts (Lek et al., 2016)

Literature cited by the submitters: PubMed 25085752 (cited by Myriad Genetics, Inc.).